The following is an entry in ClinVar:

NM_001206979.2(NR1H4):c.876G>A (p.Thr292=)

Gene: NR1H4 (nuclear receptor subfamily 1 group H member 4; plus strand). Cytogenetic location: 12q23.1.
Variant type: single nucleotide variant.
Coding change: c.876G>A on transcript NM_001206979.2 (MANE Select); coding-DNA position 876, G replaced by A.
Protein change: p.Thr292=; no amino-acid change (threonine 292 retained).
Molecular consequence: synonymous variant. On other transcripts: non-coding transcript variant (1).
Genome position (GRCh38, 1-based): chr12:100,536,992, G>A. VCF-style: chr12-100536992-G-A. GRCh37 (hg19) VCF-style: chr12-100930770-G-A.
Other names: c.876G>A, p.Thr292= (NM_001206977.2); c.723G>A, p.Thr241= (NM_001206978.2); c.894G>A, p.Thr298= (NM_001206992.2); c.906G>A, p.Thr302= (NM_001206993.2); c.864G>A, p.Thr288= (NM_005123.4).
Identifiers: ClinVar variation 4990539 (VCV004990539.1).

ClinVar aggregate classification (germline): Likely benign (1 of 4 stars; one submission).

Conditions:
NR1H4-related disorder. Also called: NR1H4-related condition.

gnomAD v4.1: 13 of 1,602,072 alleles (0.00081%); highest among the groups gnomAD compares: African/African-American, 0.0027%; no homozygotes.

Submission:

PreventionGenetics, part of Exact Sciences
Classification: Likely benign for NR1H4-related condition. Last evaluated: 2025-02-03. Review status: criteria provided, single submitter. Criteria: ACMG Guidelines, 2015. Collection method: clinical testing. Allele origin: germline.
Comment: This variant is classified as likely benign based on ACMG/AMP sequence variant interpretation guidelines (Richards et al. 2015 PMID: 25741868, with internal and published modifications).